The following is an entry in ClinVar:

NM_012123.4(MTO1):c.1446C>G (p.Asp482Glu)

Gene: MTO1 (mitochondrial tRNA translation optimization 1; plus strand). Cytogenetic location: 6q13.
Variant type: single nucleotide variant.
Coding change: c.1446C>G on transcript NM_012123.4 (MANE Select); coding-DNA position 1446, C replaced by G.
Protein change: p.Asp482Glu; replaces aspartic acid 482 with glutamic acid.
Molecular consequence: missense variant.
Genome position (GRCh38, 1-based): chr6:73,482,225, C>G. VCF-style: chr6-73482225-C-G. GRCh37 (hg19) VCF-style: chr6-74191948-C-G.
Other names: c.1566C>G, p.Asp522Glu (NM_001123226.2); c.1521C>G, p.Asp507Glu (NM_133645.3); short protein forms D507E, D522E, D482E.
Identifiers: ClinVar variation 1490959 (VCV001490959.6), dbSNP rs2150037248, ClinGen allele CA364717270.

ClinVar aggregate classification (germline): Uncertain significance (1 of 4 stars; one submission).

Conditions:
Mitochondrial hypertrophic cardiomyopathy with lactic acidosis due to MTO1 deficiency. Also called: CARDIOMYOPATHY, INFANTILE HYPERTROPHIC MITOCHONDRIAL, AND LACTIC ACIDOSIS; Combined oxidative phosphorylation deficiency 10. Identifiers: Orphanet 314637, MedGen C4749921, MONDO:0013865, OMIM 614702.

gnomAD v4.1: 4 of 1,614,134 alleles (0.00025%); highest among the groups gnomAD compares: Non-Finnish European, 0.00034%; no homozygotes.

Submission:

Labcorp Genetics (formerly Invitae), Labcorp
Classification: Uncertain significance for Mitochondrial hypertrophic cardiomyopathy with lactic acidosis due to MTO1 deficiency. Last evaluated: 2021-09-29. Review status: criteria provided, single submitter. Criteria: Invitae Variant Classification Sherloc (09022015). Collection method: clinical testing. Allele origin: germline.
Comment: In summary, the available evidence is currently insufficient to determine the role of this variant in disease. Therefore, it has been classified as a Variant of Uncertain Significance. Algorithms developed to predict the effect of missense changes on protein structure and function are either unavailable or do not agree on the potential impact of this missense change (SIFT: "Deleterious"; PolyPhen-2: "Benign"; Align-GVGD: "Class C0"). This variant is not present in population databases (ExAC no frequency). This variant has not been reported in the literature in individuals affected with MTO1-related conditions. This sequence change replaces aspartic acid with glutamic acid at codon 482 of the MTO1 protein (p.Asp482Glu). The aspartic acid residue is highly conserved and there is a small physicochemical difference between aspartic acid and glutamic acid.